The following is an entry in ClinVar:

NM_133497.4(KCNV2):c.1148G>A (p.Arg383His)

Gene: KCNV2 (potassium voltage-gated channel modifier subfamily V member 2; plus strand). Cytogenetic location: 9p24.2.
Variant type: single nucleotide variant.
Coding change: c.1148G>A on transcript NM_133497.4 (MANE Select); coding-DNA position 1148, G replaced by A.
Protein change: p.Arg383His; replaces arginine 383 with histidine.
Molecular consequence: missense variant.
Genome position (GRCh38, 1-based): chr9:2,718,887, G>A. VCF-style: chr9-2718887-G-A. GRCh37 (hg19) VCF-style: chr9-2718887-G-A.
Other names: c.1148G>A (NM_133497.3); short protein forms R383H.
Identifiers: ClinVar variation 1052601 (VCV001052601.8), dbSNP rs141881396, ClinGen allele CA372802175.

ClinVar aggregate classification (germline): Uncertain significance. Review status: criteria provided, multiple submitters, no conflicts (2 of 4 stars). 3 submissions from 3 submitters: Uncertain significance (3). Last evaluated 2025-05-25.

Conditions:
Inborn genetic diseases. Identifiers: MedGen C0950123, MeSH D030342.

gnomAD v4.1: 23 of 1,608,700 alleles (0.0014%); highest among the groups gnomAD compares: East Asian, 0.0022%; no homozygotes.

Submissions (3):

Ambry Genetics
Classification: Uncertain significance for Inborn genetic diseases. Last evaluated: 2025-05-25. Review status: criteria provided, single submitter. Criteria: Ambry Variant Classification Scheme 2023. Collection method: clinical testing. Allele origin: germline.

Labcorp Genetics (formerly Invitae), Labcorp
Classification: Uncertain significance. Last evaluated: 2021-09-01. Review status: criteria provided, single submitter. Criteria: Invitae Variant Classification Sherloc (09022015). Collection method: clinical testing. Allele origin: germline.
Comment: This sequence change replaces arginine with histidine at codon 383 of the KCNV2 protein (p.Arg383His). The arginine residue is highly conserved and there is a small physicochemical difference between arginine and histidine. This variant is not present in population databases (ExAC no frequency). This variant has not been reported in the literature in individuals affected with KCNV2-related conditions. Algorithms developed to predict the effect of missense changes on protein structure and function (SIFT, PolyPhen-2, Align-GVGD) all suggest that this variant is likely to be disruptive. In summary, the available evidence is currently insufficient to determine the role of this variant in disease. Therefore, it has been classified as a Variant of Uncertain Significance.

Blueprint Genetics
Classification: Uncertain significance. Last evaluated: 2017-12-11. Review status: criteria provided, single submitter. Criteria: ACMG Guidelines, 2015. Collection method: clinical testing. Allele origin: germline.